The following is an entry in ClinVar:

ClinVar aggregate classification (germline): Uncertain significance (1 of 4 stars; one submission).

Conditions:
Primary ciliary dyskinesia. Also called: Ciliary dyskinesia. Identifiers: Orphanet 244, MedGen C0008780, MONDO:0016575, HP:0012265.

Allele frequency attached by ClinVar (database versions not stated): gnomAD exomes below 0.00001; TOPMed below 0.00001; gnomAD 0.00001.
gnomAD v4.1: 5 of 1,612,818 alleles (0.00031%); highest among the groups gnomAD compares: East Asian, 0.0022%; no homozygotes.

Submission:

Ambry Genetics
Classification: Uncertain significance for Primary ciliary dyskinesia. Last evaluated: 2022-02-20. Review status: criteria provided, single submitter. Criteria: Ambry Variant Classification Scheme 2023. Collection method: clinical testing. Allele origin: germline.
Comment: The p.A1037V variant (also known as c.3110C>T), located in coding exon 19 of the ARMC4 gene, results from a C to T substitution at nucleotide position 3110. The alanine at codon 1037 is replaced by valine, an amino acid with similar properties. This amino acid position is conserved. In addition, the in silico prediction for this alteration is inconclusive. Since supporting evidence is limited at this time, the clinical significance of this alteration remains unclear.

NM_018076.5(ODAD2):c.3110C>T (p.Ala1037Val)

Genes: ODAD2 (outer dynein arm docking complex subunit 2; minus strand), LOC132089773 (Neanderthal introgressed variant-containing enhancer experimental_12116; plus strand). Cytogenetic location: 10p12.1.
Variant type: single nucleotide variant.
Coding change: c.3110C>T on transcript NM_018076.5 (MANE Select); coding-DNA position 3110, C replaced by T.
Protein change: p.Ala1037Val; replaces alanine 1037 with valine.
Molecular consequence: missense variant. On other transcripts: synonymous variant (1).
Genome position (GRCh38, 1-based): chr10:27,812,537, G>A on the plus strand (C>T on the coding strand, the complement: ODAD2 is on the minus strand). VCF-style: chr10-27812537-G-A. GRCh37 (hg19) VCF-style: chr10-28101466-G-A.
Other names: c.3110C>T, p.Ala1037Val (NM_001290020.2); c.1807C>T, p.Leu603= (NM_001290021.2); c.2186C>T, p.Ala729Val (NM_001312689.2); short protein forms A1037V, A729V.
Identifiers: ClinVar variation 1800016 (VCV001800016.2), dbSNP rs1835819684, ClinGen allele CA376490983.